The following is an entry in ClinVar:

ClinVar aggregate classification (germline): Uncertain significance (1 of 4 stars; one submission).

Conditions:
Hereditary cancer-predisposing syndrome. Also called: Neoplastic Syndromes, Hereditary; Tumor predisposition; Hereditary neoplastic syndrome; Hereditary Cancer Syndrome. Identifiers: Orphanet 140162, MedGen C0027672, MeSH D009386, MONDO:0015356.

Submission:

Ambry Genetics
Classification: Uncertain significance for Hereditary cancer-predisposing syndrome. Last evaluated: 2026-07-29. Review status: criteria provided, single submitter. Criteria: Ambry Variant Classification Scheme 2023. Collection method: clinical testing. Allele origin: germline.
Comment: The p.D362G variant (also known as c.1085A>G), located in coding exon 9 of the SDHA gene, results from an A to G substitution at nucleotide position 1085. The aspartic acid at codon 362 is replaced by glycine, an amino acid with similar properties. This amino acid position is highly conserved in available vertebrate species. In addition, this alteration is predicted to be deleterious by in silico analysis. Based on the available evidence, the clinical significance of this variant remains unclear.

NM_004168.4(SDHA):c.1085A>G (p.Asp362Gly)

Gene: SDHA (succinate dehydrogenase complex flavoprotein subunit A; plus strand). Cytogenetic location: 5p15.33.
Variant type: single nucleotide variant.
Coding change: c.1085A>G on transcript NM_004168.4 (MANE Select); coding-DNA position 1085, A replaced by G.
Protein change: p.Asp362Gly; replaces aspartic acid 362 with glycine.
Molecular consequence: missense variant.
Genome position (GRCh38, 1-based): chr5:235,164, A>G. VCF-style: chr5-235164-A-G. GRCh37 (hg19) VCF-style: chr5-235279-A-G.
Other names: c.941A>G, p.Asp314Gly (NM_001294332.2); c.1085A>G, p.Asp362Gly (NM_001330758.2); short protein forms D314G, D362G.
Identifiers: ClinVar variation 5029200 (VCV005029200.1).